The following is an entry in ClinVar:

ClinVar aggregate classification (germline): Uncertain significance (1 of 4 stars; one submission).

gnomAD v4.1: 2 of 1,569,286 alleles (0.00013%); highest among the groups gnomAD compares: Non-Finnish European, 0.00017%; no homozygotes.

Submission:

Ambry Genetics
Classification: Uncertain significance. Last evaluated: 2025-03-01. Review status: criteria provided, single submitter. Criteria: Ambry Variant Classification Scheme 2023. Collection method: clinical testing. Allele origin: germline.
Comment: The p.H213P variant (also known as c.638A>C), located in coding exon 7 of the FAM175A gene, results from an A to C substitution at nucleotide position 638. The histidine at codon 213 is replaced by proline, an amino acid with similar properties. This amino acid position is conserved. In addition, this alteration is predicted to be tolerated by in silico analysis. Since supporting evidence is limited at this time, the clinical significance of this alteration remains unclear.

NM_139076.3(ABRAXAS1):c.638A>C (p.His213Pro)

Gene: ABRAXAS1 (abraxas 1, BRCA1 A complex subunit; minus strand). Cytogenetic location: 4q21.23.
Variant type: single nucleotide variant.
Coding change: c.638A>C on transcript NM_139076.3 (MANE Select); coding-DNA position 638, A replaced by C.
Protein change: p.His213Pro; replaces histidine 213 with proline.
Molecular consequence: missense variant.
Genome position (GRCh38, 1-based): chr4:83,467,497, T>G on the plus strand (A>C on the coding strand, the complement: ABRAXAS1 is on the minus strand). VCF-style: chr4-83467497-T-G. GRCh37 (hg19) VCF-style: chr4-84388650-T-G.
Other names: c.311A>C, p.His104Pro (NM_001345962.2); short protein forms H104P, H213P.
Identifiers: ClinVar variation 1799805 (VCV001799805.3), dbSNP rs1376301070, ClinGen allele CA357258768.